The following is an entry in ClinVar:

NM_000488.4(SERPINC1):c.41G>T (p.Arg14Met)

Gene: SERPINC1 (serpin family C member 1; minus strand). Cytogenetic location: 1q25.1.
Variant type: single nucleotide variant.
Coding change: c.41G>T on transcript NM_000488.4 (MANE Select); coding-DNA position 41, G replaced by T.
Protein change: p.Arg14Met; replaces arginine 14 with methionine.
Molecular consequence: missense variant. On other transcripts: 5 prime UTR variant (1), intron variant (1).
Genome position (GRCh38, 1-based): chr1:173,917,219, C>A on the plus strand (G>T on the coding strand, the complement: SERPINC1 is on the minus strand). VCF-style: chr1-173917219-C-A. GRCh37 (hg19) VCF-style: chr1-173886357-C-A.
Other names: c.-273G>T (NM_001365052.2); c.41G>T, p.Arg14Met (NM_001386302.1, NM_001386304.1, NM_001386305.1 and 1 more transcripts); c.24+17G>T (NM_001386303.1); short protein forms R14M.
Identifiers: ClinVar variation 4747566 (VCV004747566.1).

ClinVar aggregate classification (germline): Uncertain significance (1 of 4 stars; one submission).

Conditions:
Hereditary antithrombin deficiency (AT3D). Also called: Antithrombin III deficiency; Thrombophilia due to antithrombin III deficiency; Antithrombin deficiency; Reduced antithrombin III activity. Identifiers: Orphanet 82, MedGen C0272375, MONDO:0013144, OMIM 613118, HP:0001976.

Submission:

Labcorp Genetics (formerly Invitae), Labcorp
Classification: Uncertain significance for Hereditary antithrombin deficiency. Last evaluated: 2025-12-22. Review status: criteria provided, single submitter. Criteria: Invitae Variant Classification Sherloc (09022015). Collection method: clinical testing. Allele origin: germline.
Comment: This sequence change replaces arginine, which is basic and polar, with methionine, which is neutral and non-polar, at codon 14 of the SERPINC1 protein (p.Arg14Met). This variant also falls at the last nucleotide of exon 1, which is part of the consensus splice site for this exon. This variant is not present in population databases (gnomAD no frequency). This variant has not been reported in the literature in individuals affected with SERPINC1-related conditions. Invitae Evidence Modeling of protein sequence and biophysical properties (such as structural, functional, and spatial information, amino acid conservation, physicochemical variation, residue mobility, and thermodynamic stability) has been performed for this missense variant. However, the output from this modeling did not meet the statistical confidence thresholds required to predict the impact of this variant on SERPINC1 protein function. Variants that disrupt the consensus splice site are a relatively common cause of aberrant splicing (PMID: 17576681, 9536098). Algorithms developed to predict the effect of sequence changes on RNA splicing suggest that this variant may disrupt the consensus splice site. In summary, the available evidence is currently insufficient to determine the role of this variant in disease. Therefore, it has been classified as a Variant of Uncertain Significance.

Literature cited by the submitters: PubMed 17576681; PubMed 9536098.